The following is an entry in ClinVar:

ClinVar aggregate classification (germline): Uncertain significance (1 of 4 stars; one submission).

Conditions:
Inborn genetic diseases. Identifiers: MedGen C0950123, MeSH D030342.

Allele frequency attached by ClinVar (database versions not stated): gnomAD 0.00001.
gnomAD v4.1: 1 of 1,613,710 alleles (0.000062%); highest among the groups gnomAD compares: Non-Finnish European, 0.000085%; no homozygotes.

Submission:

Ambry Genetics
Classification: Uncertain significance for Inborn genetic diseases. Last evaluated: 2021-10-06. Review status: criteria provided, single submitter. Criteria: Ambry Variant Classification Scheme 2023. Collection method: clinical testing. Allele origin: germline.
Comment: The p.H327Y variant (also known as c.979C>T), located in coding exon 8 of the PLEKHG5 gene, results from a C to T substitution at nucleotide position 979. The histidine at codon 327 is replaced by tyrosine, an amino acid with similar properties. This amino acid position is conserved. In addition, this alteration is predicted to be tolerated by in silico analysis. Since supporting evidence is limited at this time, the clinical significance of this alteration remains unclear.

NM_020631.6(PLEKHG5):c.979C>T (p.His327Tyr)

Gene: PLEKHG5 (pleckstrin homology and RhoGEF domain containing G5; minus strand). Cytogenetic location: 1p36.31.
Variant type: single nucleotide variant.
Coding change: c.979C>T on transcript NM_020631.6 (MANE Select); coding-DNA position 979, C replaced by T.
Protein change: p.His327Tyr; replaces histidine 327 with tyrosine.
Molecular consequence: missense variant.
Genome position (GRCh38, 1-based): chr1:6,472,991, G>A on the plus strand (C>T on the coding strand, the complement: PLEKHG5 is on the minus strand). VCF-style: chr1-6472991-G-A. GRCh37 (hg19) VCF-style: chr1-6533051-G-A.
Other names: c.1090C>T, p.His364Tyr (NM_001042663.3, NM_001265592.2); c.979C>T, p.His327Tyr (NM_001042664.2, NM_001042665.2, NM_001265594.3 and 1 more transcripts); c.1186C>T, p.His396Tyr (NM_001265593.2); short protein forms H364Y, H327Y, H396Y.
Identifiers: ClinVar variation 1768225 (VCV001768225.2), dbSNP rs1644638739, ClinGen allele CA338133361.